The following is an entry in ClinVar:

ClinVar aggregate classification (germline): Uncertain significance (1 of 4 stars; one submission).

Conditions:
Hereditary cancer-predisposing syndrome. Also called: Neoplastic Syndromes, Hereditary; Tumor predisposition; Hereditary neoplastic syndrome; Hereditary Cancer Syndrome. Identifiers: Orphanet 140162, MedGen C0027672, MeSH D009386, MONDO:0015356.

Submission:

Ambry Genetics
Classification: Uncertain significance for Hereditary cancer-predisposing syndrome. Last evaluated: 2018-04-10. Review status: criteria provided, single submitter. Criteria: Ambry Variant Classification Scheme 2023. Collection method: clinical testing. Allele origin: germline.
Comment: The p.C1168S variant (also known as c.3502T>A), located in coding exon 23 of the ATM gene, results from a T to A substitution at nucleotide position 3502. The cysteine at codon 1168 is replaced by serine, an amino acid with dissimilar properties. This amino acid position is highly conserved in available vertebrate species. In addition, this alteration is predicted to be deleterious by in silico analysis. Since supporting evidence is limited at this time, the clinical significance of this alteration remains unclear.

NM_000051.4(ATM):c.3502T>A (p.Cys1168Ser)

Gene: ATM (ATM serine/threonine kinase; plus strand). Cytogenetic location: 11q22.3.
Variant type: single nucleotide variant.
Coding change: c.3502T>A on transcript NM_000051.4 (MANE Select); coding-DNA position 3502, T replaced by A.
Protein change: p.Cys1168Ser; replaces cysteine 1168 with serine.
Molecular consequence: missense variant.
Genome position (GRCh38, 1-based): chr11:108,281,094, T>A. VCF-style: chr11-108281094-T-A. GRCh37 (hg19) VCF-style: chr11-108151821-T-A.
Other names: c.3502T>A, p.Cys1168Ser (NM_001351834.2); short protein forms C1168S.
Identifiers: ClinVar variation 823860 (VCV000823860.4), dbSNP rs749933079, ClinGen allele CA382519782.
Genomic context (GRCh38, chr11:108,281,094, plus strand): 5'-TATAATAGAAAATCTGTTTTACTGACGTTGATAGCTGTGGTTTTATCCTGTAGCCCTATC[T>A]GCGAAAAACAGGCTTTGTTTGCCCTGTGTAAATCTGTGAAAGAGAATGGATTAGAACCTC-3'
Protein context (NP_000042.3, residues 1158-1178): IAVVLSCSPI[Cys1168Ser]EKQALFALCK